The following is an entry in ClinVar:

ClinVar aggregate classification (germline): Uncertain significance (1 of 4 stars; one submission).

Allele frequency attached by ClinVar (database versions not stated): gnomAD 0.00001.
gnomAD v4.1: 1 of 1,612,274 alleles (0.000062%); highest among the groups gnomAD compares: Non-Finnish European, 0.000085%; no homozygotes.

Submission:

Labcorp Genetics (formerly Invitae), Labcorp
Classification: Uncertain significance. Last evaluated: 2023-07-17. Review status: criteria provided, single submitter. Criteria: Invitae Variant Classification Sherloc (09022015). Collection method: clinical testing. Allele origin: germline.
Comment: In summary, the available evidence is currently insufficient to determine the role of this variant in disease. Therefore, it has been classified as a Variant of Uncertain Significance. An algorithm developed to predict the effect of missense changes on protein structure and function (PolyPhen-2) suggests that this variant is likely to be disruptive. ClinVar contains an entry for this variant (Variation ID: 1364396). This variant has not been reported in the literature in individuals affected with DMXL2-related conditions. This variant is not present in population databases (gnomAD no frequency). This sequence change replaces glutamic acid, which is acidic and polar, with glutamine, which is neutral and polar, at codon 310 of the DMXL2 protein (p.Glu310Gln).

NM_001378457.1(DMXL2):c.928G>C (p.Glu310Gln)

Gene: DMXL2 (Dmx like 2; minus strand). Cytogenetic location: 15q21.2.
Variant type: single nucleotide variant.
Coding change: c.928G>C on transcript NM_001378457.1 (MANE Select); coding-DNA position 928, G replaced by C.
Protein change: p.Glu310Gln; replaces glutamic acid 310 with glutamine.
Molecular consequence: missense variant. On other transcripts: non-coding transcript variant (2).
Genome position (GRCh38, 1-based): chr15:51,545,585, C>G on the plus strand (G>C on the coding strand, the complement: DMXL2 is on the minus strand). VCF-style: chr15-51545585-C-G. GRCh37 (hg19) VCF-style: chr15-51837782-C-G.
Other names: c.928G>C, p.Glu310Gln (NM_001174116.3, NM_001174117.3, NM_001378458.1 and 7 more transcripts); short protein forms E310Q.
Identifiers: ClinVar variation 1364396 (VCV001364396.6), dbSNP rs2048843609, ClinGen allele CA392468815.
Genomic context (GRCh38, chr15:51,545,585, plus strand): 5'-TTTCCACCAGGCTCACATTATCTTCAAAATTCATTTACCATTTTAAATAATATAATACCT[C>G]AAGAGCATGCTGTATTCTGTCTTTGTGTCTTCCAGCATGAGAAAGGCTGCTGGCAATGCT-3'
Protein context (NP_001365386.1, residues 300-320): RHKDRIQHAL[Glu310Gln]TIHHLKNLRK